The following is an entry in ClinVar:

NM_021224.6(ZNF462):c.1817dup (p.Asn606fs)

Gene: ZNF462 (zinc finger protein 462; plus strand). Cytogenetic location: 9q31.2.
Variant type: Duplication.
Coding change: c.1817dup on transcript NM_021224.6 (MANE Select); coding-DNA position 1817, one base duplicated (A; older notation c.1817dupA).
Protein change: p.Asn606fs; shifts the reading frame from asparagine 606.
Molecular consequence: frameshift variant.
Genome position (GRCh38, 1-based): chr9:106,925,729, A duplicated; the last of 2 consecutive A bases (chr9:106,925,728-106,925,729); duplicating either gives the same sequence. VCF-style (leftmost placement, unchanged base first): chr9-106925727-T-TA. GRCh37 (hg19) VCF-style: chr9-109688008-T-TA.
Other names: c.1817dup (NM_021224.5); c.1817dup, p.Asn606fs (NM_001347997.2); short protein forms N606fs.
Identifiers: ClinVar variation 3777091 (VCV003777091.1).
Genomic context (GRCh38, chr9:106,925,727, plus strand): 5'-GCAGCAGCCACAGCCACCCACACAAGCCGCACCTCTGCACCCATACAAATGCACCATGTG[T>TA]AATTACTCCACCACAACTCTGAAAGGGCTAAGAGTCCATCAGCAGCATAAACATTCATTC-3'

ClinVar aggregate classification (germline): Likely pathogenic (1 of 4 stars; one submission).

Conditions:
Weiss-Kruszka syndrome. Also called: Metopic ridging-ptosis-facial dysmorphism syndrome. Identifiers: Orphanet 502430, MedGen C5568107, MONDO:0032836, OMIM 618619.

Submission:

University of Washington Department of Laboratory Medicine, University of Washington
Classification: Likely pathogenic for Weiss-Kruszka syndrome. Last evaluated: 2021-05-25. Review status: criteria provided, single submitter. Criteria: ACMG Guidelines, 2015. Collection method: clinical testing. Allele origin: unknown. Affected: yes.
Comment: The p.Asn606fs*17 variant in the ZNF462 gene has not been previously reported in association with disease. This variant leads to a premature stop codon in exon 3 of 13 exons and is predicted to undergo nonsense-mediated decay resulting in a truncated or absent protein. This prediction has not been tested directly. Heterozygous loss of function leading to haploinsufficiency of the ZNF462 gene is an established mechanism of disease. Furthermore, the p.Asn606fs*17 variant was absent from large population databases, including the Genome Aggregation Database. Using ACMG guidelines, this variant was classified as likely pathogenic for autosomal dominant ZNF462-related neurodevelopmental disorder (ACMG evidence codes used: PVS1, PM2_supporting).